The following is an entry in ClinVar:

NM_181783.4(TMTC3):c.1432+5G>A

Gene: TMTC3 (transmembrane O-mannosyltransferase targeting cadherins 3; plus strand). Cytogenetic location: 12q21.32.
Variant type: single nucleotide variant.
Coding change: c.1432+5G>A on transcript NM_181783.4 (MANE Select); 5 bases into the intron after coding-DNA position 1432, G replaced by A.
Molecular consequence: intron variant.
Genome position (GRCh38, 1-based): chr12:88,176,324, G>A. VCF-style: chr12-88176324-G-A. GRCh37 (hg19) VCF-style: chr12-88570101-G-A.
Other names: c.1213+5G>A (NM_001366579.1); c.1252+5G>A (NM_001366574.1); c.1165+5G>A (NM_001366580.1); c.739+5G>A (NM_001366583.1).
Identifiers: ClinVar variation 2532711 (VCV002532711.3), dbSNP rs1179667538, ClinGen allele CA606604558.

ClinVar aggregate classification (germline): Uncertain significance (1 of 4 stars; one submission).

Conditions:
Inborn genetic diseases. Identifiers: MedGen C0950123, MeSH D030342.

Allele frequency attached by ClinVar (database versions not stated): gnomAD exomes below 0.00001; gnomAD 0.00001.
gnomAD v4.1: 6 of 1,579,888 alleles (0.00038%); highest among the groups gnomAD compares: African/African-American, 0.0027%; no homozygotes.

Submission:

Ambry Genetics
Classification: Uncertain significance for Inborn genetic diseases. Last evaluated: 2025-04-25. Review status: criteria provided, single submitter. Criteria: Ambry Variant Classification Scheme 2023. Collection method: clinical testing. Allele origin: germline.
Comment: The c.1432+5G>A intronic alteration consists of a G to A substitution 5 nucleotides after exon 10 (coding exon 9) of the TMTC3 gene. Based on insufficient or conflicting evidence, the clinical significance of this alteration remains unclear.